The following is an entry in ClinVar:

ClinVar aggregate classification (germline): Uncertain significance (1 of 4 stars; one submission).

Conditions:
Neuronopathy, distal hereditary motor, type 7A. Also called: Neuronopathy, distal hereditary motor, autosomal dominant 7; Neuronopathy, distal hereditary motor, type viia; HARPER-YOUNG MYOPATHY; HMN VIIA; NEURONOPATHY, DISTAL HEREDITARY MOTOR, HARDING TYPE VIIA; NEUROPATHY, DISTAL HEREDITARY MOTOR, HARDING TYPE VIIA. Identifiers: Orphanet 139589, MedGen C1834703, MONDO:0008024, OMIM 158580.
Congenital myasthenic syndrome 20. Also called: Myasthenic syndrome, congenital, 20, presynaptic. Identifiers: MedGen C4310694, MONDO:0014939, OMIM 617143.

Allele frequency attached by ClinVar (database versions not stated): ExAC 0.00002; gnomAD exomes 0.00002; gnomAD 0.00003; TOPMed 0.00005.
gnomAD v4.1: 8 of 1,613,416 alleles (0.0005%); highest among the groups gnomAD compares: African/African-American, 0.011%; no homozygotes.

Submission:

Labcorp Genetics (formerly Invitae), Labcorp
Classification: Uncertain significance for Neuronopathy, distal hereditary motor, type 7A; Congenital myasthenic syndrome 20. Last evaluated: 2023-01-13. Review status: criteria provided, single submitter. Criteria: Invitae Variant Classification Sherloc (09022015). Collection method: clinical testing. Allele origin: germline.
Comment: This sequence change replaces threonine, which is neutral and polar, with asparagine, which is neutral and polar, at codon 552 of the SLC5A7 protein (p.Thr552Asn). This variant is present in population databases (rs748431280, gnomAD 0.02%). This variant has not been reported in the literature in individuals affected with SLC5A7-related conditions. ClinVar contains an entry for this variant (Variation ID: 851472). Algorithms developed to predict the effect of missense changes on protein structure and function (SIFT, PolyPhen-2, Align-GVGD) all suggest that this variant is likely to be tolerated. In summary, the available evidence is currently insufficient to determine the role of this variant in disease. Therefore, it has been classified as a Variant of Uncertain Significance.

NM_021815.5(SLC5A7):c.1655C>A (p.Thr552Asn)

Gene: SLC5A7 (solute carrier family 5 member 7; plus strand). Cytogenetic location: 2q12.3.
Variant type: single nucleotide variant.
Coding change: c.1655C>A on transcript NM_021815.5 (MANE Select); coding-DNA position 1655, C replaced by A.
Protein change: p.Thr552Asn; replaces threonine 552 with asparagine.
Molecular consequence: missense variant.
Genome position (GRCh38, 1-based): chr2:108,010,773, C>A. VCF-style: chr2-108010773-C-A. GRCh37 (hg19) VCF-style: chr2-108627229-C-A.
Other names: c.1655C>A, p.Thr552Asn (NM_001305005.3); c.1340C>A, p.Thr447Asn (NM_001305006.3); c.914C>A, p.Thr305Asn (NM_001305007.3); short protein forms T447N, T552N, T305N.
Identifiers: ClinVar variation 851472 (VCV000851472.6), dbSNP rs748431280, ClinGen allele CA1819210.